The following is an entry in ClinVar:

ClinVar aggregate classification (germline): Uncertain significance. Review status: criteria provided, multiple submitters, no conflicts (2 of 4 stars). 2 submissions from 2 submitters: Uncertain significance (2). Last evaluated 2024-04-01.

Conditions:
Inborn genetic diseases. Identifiers: MedGen C0950123, MeSH D030342.

Allele frequency attached by ClinVar (database versions not stated): TOPMed below 0.00001; gnomAD exomes 0.00001.
gnomAD v4.1: 8 of 1,598,410 alleles (0.0005%); highest among the groups gnomAD compares: Non-Finnish European, 0.00068%; no homozygotes.

Submissions (2):

Ambry Genetics
Classification: Uncertain significance for Inborn genetic diseases. Last evaluated: 2024-04-01. Review status: criteria provided, single submitter. Criteria: Ambry Variant Classification Scheme 2023. Collection method: clinical testing. Allele origin: germline.

Labcorp Genetics (formerly Invitae), Labcorp
Classification: Uncertain significance. Last evaluated: 2024-01-02. Review status: criteria provided, single submitter. Criteria: Invitae Variant Classification Sherloc (09022015). Collection method: clinical testing. Allele origin: germline.
Comment: This sequence change replaces glycine, which is neutral and non-polar, with serine, which is neutral and polar, at codon 337 of the SZT2 protein (p.Gly337Ser). This variant is not present in population databases (gnomAD no frequency). This variant has not been reported in the literature in individuals affected with SZT2-related conditions. ClinVar contains an entry for this variant (Variation ID: 2182572). Advanced modeling of protein sequence and biophysical properties (such as structural, functional, and spatial information, amino acid conservation, physicochemical variation, residue mobility, and thermodynamic stability) performed at Invitae indicates that this missense variant is not expected to disrupt SZT2 protein function with a negative predictive value of 80%. In summary, the available evidence is currently insufficient to determine the role of this variant in disease. Therefore, it has been classified as a Variant of Uncertain Significance.

NM_001365999.1(SZT2):c.1009G>A (p.Gly337Ser)

Gene: SZT2 (SZT2 subunit of KICSTOR complex; plus strand). Cytogenetic location: 1p34.2.
Variant type: single nucleotide variant.
Coding change: c.1009G>A on transcript NM_001365999.1 (MANE Select); coding-DNA position 1009, G replaced by A.
Protein change: p.Gly337Ser; replaces glycine 337 with serine.
Molecular consequence: missense variant.
Genome position (GRCh38, 1-based): chr1:43,419,863, G>A. VCF-style: chr1-43419863-G-A. GRCh37 (hg19) VCF-style: chr1-43885534-G-A.
Other names: c.1009G>A, p.Gly337Ser (NM_015284.4); c.1009G>A (NM_015284.3); short protein forms G337S.
Identifiers: ClinVar variation 2182572 (VCV002182572.3), dbSNP rs1249873285, ClinGen allele CA340006098.